The following is an entry in ClinVar:

ClinVar aggregate classification (germline): Benign. Review status: criteria provided, multiple submitters, no conflicts (2 of 4 stars). 3 submissions from 3 submitters: Benign (2). 1 of the submissions does not count toward it. Last evaluated 2026-01-27.

Conditions:
VAV1-related disorder. Also called: VAV1-related condition.

Allele frequency attached by ClinVar (database versions not stated): 1000 Genomes Project 0.00100; ExAC 0.00101; gnomAD 0.00180 and 0.00201; ESP Exome Variant Server 0.00208; TOPMed 0.00213; gnomAD exomes 0.00015 and 0.00040; 1000 Genomes Project 30x 0.00078.
gnomAD v4.1: 506 of 1,592,530 alleles (0.032%); highest among the groups gnomAD compares: African/African-American, 0.54%; 1 homozygote.

Submissions (5):

Labcorp Genetics (formerly Invitae), Labcorp
Classification: Benign. Last evaluated: 2026-01-27. Review status: criteria provided, single submitter. Criteria: Invitae Variant Classification Sherloc (09022015). Collection method: clinical testing. Allele origin: germline.

Breakthrough Genomics
Classification: Benign. Review status: criteria provided, single submitter. Criteria: ACMG Guidelines, 2015. Collection method: not provided. Allele origin: germline. Inheritance: Unknown mechanism. Affected: yes.

PreventionGenetics, part of Exact Sciences
Classification: Likely benign for VAV1-related condition. Last evaluated: 2023-11-13. Review status: no assertion criteria provided. Collection method: clinical testing. Allele origin: germline. Not counted in ClinVar's aggregate classification.
Comment: This variant is classified as likely benign based on ACMG/AMP sequence variant interpretation guidelines (Richards et al. 2015 PMID: 25741868, with internal and published modifications).

Dr. Peter K. Rogan Lab, Western University
No classification provided (evidence only). Condition: Clear cell carcinoma of kidney. Review status: no classification provided. Collection method: in vitro. Allele origin: not applicable. Functional consequence: retained intron. Not counted in ClinVar's aggregate classification.

Dr. Peter K. Rogan Lab, Western University
No classification provided (evidence only). Condition: Gastric cancer. Review status: no classification provided. Collection method: in vitro. Allele origin: not applicable. Functional consequence: retained intron. Not counted in ClinVar's aggregate classification.

NM_005428.4(VAV1):c.510C>T (p.Gly170=)

Gene: VAV1 (vav guanine nucleotide exchange factor 1; plus strand). Cytogenetic location: 19p13.3.
Variant type: single nucleotide variant.
Coding change: c.510C>T on transcript NM_005428.4 (MANE Select); coding-DNA position 510, C replaced by T.
Protein change: p.Gly170=; no amino-acid change (glycine 170 retained).
Molecular consequence: synonymous variant.
Genome position (GRCh38, 1-based): chr19:6,822,281, C>T. VCF-style: chr19-6822281-C-T. GRCh37 (hg19) VCF-style: chr19-6822292-C-T.
Other names: c.510C>T, p.Gly170= (NM_001258206.2, NM_001258207.2); c.510C>T (NM_005428.3).
Identifiers: ClinVar variation 1168179 (VCV001168179.13), dbSNP rs150109367, ClinGen allele CA9132252.